The following is an entry in ClinVar:

NM_001378615.1(CC2D2A):c.1252C>A (p.His418Asn)

Genes: CC2D2A (coiled-coil and C2 domain containing 2A; plus strand), FBXL5 (F-box and leucine rich repeat protein 5; minus strand). Cytogenetic location: 4p15.32.
Variant type: single nucleotide variant.
Coding change: c.1252C>A on transcript NM_001378615.1 (MANE Select); coding-DNA position 1252, C replaced by A.
Protein change: p.His418Asn; replaces histidine 418 with asparagine.
Molecular consequence: missense variant.
Genome position (GRCh38, 1-based): chr4:15,527,549, C>A. VCF-style: chr4-15527549-C-A. GRCh37 (hg19) VCF-style: chr4-15529172-C-A.
Other names: c.1252C>A, p.His418Asn (NM_001080522.2); c.1105C>A, p.His369Asn (NM_001378617.1); short protein forms H369N, H418N.
Identifiers: ClinVar variation 4789740 (VCV004789740.1).

ClinVar aggregate classification (germline): Uncertain significance (1 of 4 stars; one submission).

Conditions:
Joubert syndrome. Also called: JOUBERT-BOLTSHAUSER SYNDROME; Familial aplasia of the vermis. Identifiers: Orphanet 475, MedGen C5979921, MONDO:0018772.
Meckel-Gruber syndrome. Also called: DYSENCEPHALIA SPLANCHNOCYSTICA; GRUBER SYNDROME; Dysencephalia splachnocystica. Identifiers: Orphanet 564, MedGen C0265215, MONDO:0018921.

Submission:

Labcorp Genetics (formerly Invitae), Labcorp
Classification: Uncertain significance for Joubert syndrome; Meckel-Gruber syndrome. Last evaluated: 2025-04-07. Review status: criteria provided, single submitter. Criteria: Invitae Variant Classification Sherloc (09022015). Collection method: clinical testing. Allele origin: germline.
Comment: This sequence change replaces histidine, which is basic and polar, with asparagine, which is neutral and polar, at codon 418 of the CC2D2A protein (p.His418Asn). This variant is not present in population databases (gnomAD no frequency). This variant has not been reported in the literature in individuals affected with CC2D2A-related conditions. Invitae Evidence Modeling of protein sequence and biophysical properties (such as structural, functional, and spatial information, amino acid conservation, physicochemical variation, residue mobility, and thermodynamic stability) indicates that this missense variant is expected to disrupt CC2D2A protein function with a positive predictive value of 80%. In summary, the available evidence is currently insufficient to determine the role of this variant in disease. Therefore, it has been classified as a Variant of Uncertain Significance.